The following is an entry in ClinVar:

ClinVar aggregate classification (germline): Uncertain significance. Review status: criteria provided, multiple submitters, no conflicts (2 of 4 stars). 2 submissions from 2 submitters: Uncertain significance (2). Last evaluated 2023-03-14.

Conditions:
Gastrointestinal stromal tumor. Also called: Gastrointestinal stroma tumor; Gastrointestinal stromal tumor, somatic. Identifiers: Orphanet 44890, MedGen C0238198, MeSH D046152, MONDO:0011719, OMIM 606764, HP:0100723.
Hereditary cancer-predisposing syndrome. Also called: Hereditary Cancer Syndrome; Hereditary neoplastic syndrome; Neoplastic Syndromes, Hereditary; Tumor predisposition. Identifiers: Orphanet 140162, MedGen C0027672, MeSH D009386, MONDO:0015356.

gnomAD v4.1: 1 of 1,613,974 alleles (0.000062%); highest among the groups gnomAD compares: Non-Finnish European, 0.000085%; no homozygotes.

Submissions (2):

Ambry Genetics
Classification: Uncertain significance for Hereditary cancer-predisposing syndrome. Last evaluated: 2023-03-14. Review status: criteria provided, single submitter. Criteria: Ambry Variant Classification Scheme 2023. Collection method: clinical testing. Allele origin: germline.
Comment: The p.A616G variant (also known as c.1847C>G), located in coding exon 12 of the KIT gene, results from a C to G substitution at nucleotide position 1847. The alanine at codon 616 is replaced by glycine, an amino acid with similar properties. This amino acid position is conserved. In addition, the in silico prediction for this alteration is inconclusive. Since supporting evidence is limited at this time, the clinical significance of this alteration remains unclear.

Labcorp Genetics (formerly Invitae), Labcorp
Classification: Uncertain significance for Gastrointestinal stromal tumor. Last evaluated: 2022-05-08. Review status: criteria provided, single submitter. Criteria: Invitae Variant Classification Sherloc (09022015). Collection method: clinical testing. Allele origin: germline.
Comment: This sequence change replaces alanine, which is neutral and non-polar, with glycine, which is neutral and non-polar, at codon 616 of the KIT protein (p.Ala616Gly). In summary, the available evidence is currently insufficient to determine the role of this variant in disease. Therefore, it has been classified as a Variant of Uncertain Significance. Algorithms developed to predict the effect of missense changes on protein structure and function are either unavailable or do not agree on the potential impact of this missense change (SIFT: "Deleterious"; PolyPhen-2: "Benign"; Align-GVGD: "Class C0"). This variant has not been reported in the literature in individuals affected with KIT-related conditions. This variant is not present in population databases (gnomAD no frequency).

NM_000222.3(KIT):c.1847C>G (p.Ala616Gly)

Gene: KIT (KIT proto-oncogene, receptor tyrosine kinase; plus strand). Cytogenetic location: 4q12.
Variant type: single nucleotide variant.
Coding change: c.1847C>G on transcript NM_000222.3 (MANE Select); coding-DNA position 1847, C replaced by G.
Protein change: p.Ala616Gly; replaces alanine 616 with glycine.
Molecular consequence: missense variant.
Genome position (GRCh38, 1-based): chr4:54,727,895, C>G. VCF-style: chr4-54727895-C-G. GRCh37 (hg19) VCF-style: chr4-55594061-C-G.
Other names: c.1835C>G, p.Ala612Gly (NM_001093772.2, NM_001385286.1); c.1850C>G, p.Ala617Gly (NM_001385284.1, NM_001385290.1); c.1847C>G, p.Ala616Gly (NM_001385285.1); c.1838C>G, p.Ala613Gly (NM_001385288.1, NM_001385292.1); short protein forms A616G, A612G, A613G, A617G.
Identifiers: ClinVar variation 2135305 (VCV002135305.6), dbSNP rs891140054, ClinGen allele CA356908164.